The following is an entry in ClinVar:

NM_032578.4(MYPN):c.2353C>T (p.Leu785Phe)

Gene: MYPN (myopalladin; plus strand). Cytogenetic location: 10q21.3.
Variant type: single nucleotide variant.
Coding change: c.2353C>T on transcript NM_032578.4 (MANE Select); coding-DNA position 2353, C replaced by T.
Protein change: p.Leu785Phe; replaces leucine 785 with phenylalanine.
Molecular consequence: missense variant. On other transcripts: non-coding transcript variant (2).
Genome position (GRCh38, 1-based): chr10:68,174,445, C>T. VCF-style: chr10-68174445-C-T. GRCh37 (hg19) VCF-style: chr10-69934202-C-T.
Other names: c.2353C>T, p.Leu785Phe (NM_001256267.2); c.1471C>T, p.Leu491Phe (NM_001256268.2); c.2353C>T (NM_032578.2); short protein forms L491F, L785F.
Identifiers: ClinVar variation 838471 (VCV000838471.7), dbSNP rs2043194035, ClinGen allele CA376846721.

ClinVar aggregate classification (germline): Uncertain significance. Review status: criteria provided, multiple submitters, no conflicts (2 of 4 stars). 2 submissions from 2 submitters: Uncertain significance (2). Last evaluated 2025-06-19.

Conditions:
Cardiovascular phenotype. Identifiers: MedGen CN230736.
Dilated cardiomyopathy 1KK (CMD1KK). Identifiers: Orphanet 154, Orphanet 75249, MedGen C3714995, MONDO:0014100, OMIM 615248.

gnomAD v4.1: 2 of 1,614,164 alleles (0.00012%); no homozygotes.

Submissions (2):

Ambry Genetics
Classification: Uncertain significance for Cardiovascular phenotype. Last evaluated: 2025-06-19. Review status: criteria provided, single submitter. Criteria: Ambry Variant Classification Scheme 2023. Collection method: clinical testing. Allele origin: germline.

Labcorp Genetics (formerly Invitae), Labcorp
Classification: Uncertain significance for Dilated cardiomyopathy 1KK. Last evaluated: 2024-02-24. Review status: criteria provided, single submitter. Criteria: Invitae Variant Classification Sherloc (09022015). Collection method: clinical testing. Allele origin: germline.
Comment: This sequence change replaces leucine, which is neutral and non-polar, with phenylalanine, which is neutral and non-polar, at codon 785 of the MYPN protein (p.Leu785Phe). This variant is not present in population databases (gnomAD no frequency). This variant has not been reported in the literature in individuals affected with MYPN-related conditions. ClinVar contains an entry for this variant (Variation ID: 838471). An algorithm developed to predict the effect of missense changes on protein structure and function (PolyPhen-2) suggests that this variant¬†is likely to be tolerated. In summary, the available evidence is currently insufficient to determine the role of this variant in disease. Therefore, it has been classified as a Variant of Uncertain Significance.